The following is an entry in ClinVar:

ClinVar aggregate classification (germline): Uncertain significance (1 of 4 stars; one submission).

Conditions:
Long QT syndrome (LQTS). Identifiers: MedGen C0023976, MeSH D008133, MONDO:0002442. Disease mechanism: loss of function. Inheritance: Various modes of inheritance.

Submission:

Labcorp Genetics (formerly Invitae), Labcorp
Classification: Uncertain significance for Long QT syndrome. Last evaluated: 2025-02-18. Review status: criteria provided, single submitter. Criteria: Invitae Variant Classification Sherloc (09022015). Collection method: clinical testing. Allele origin: germline.
Comment: This sequence change replaces phenylalanine, which is neutral and non-polar, with leucine, which is neutral and non-polar, at codon 196 of the AKAP9 protein (p.Phe196Leu). This variant is not present in population databases (gnomAD no frequency). This variant has not been reported in the literature in individuals affected with AKAP9-related conditions. An algorithm developed to predict the effect of missense changes on protein structure and function (PolyPhen-2) suggests that this variant is likely to be disruptive. In summary, the available evidence is currently insufficient to determine the role of this variant in disease. Therefore, it has been classified as a Variant of Uncertain Significance.

NM_005751.5(AKAP9):c.588T>G (p.Phe196Leu)

Gene: AKAP9 (A-kinase anchoring protein 9; plus strand). Cytogenetic location: 7q21.2.
Variant type: single nucleotide variant.
Coding change: c.588T>G on transcript NM_005751.5 (MANE Select); coding-DNA position 588, T replaced by G.
Protein change: p.Phe196Leu; replaces phenylalanine 196 with leucine.
Molecular consequence: missense variant.
Genome position (GRCh38, 1-based): chr7:91,994,632, T>G. VCF-style: chr7-91994632-T-G. GRCh37 (hg19) VCF-style: chr7-91623946-T-G.
Other names: c.588T>G, p.Phe196Leu (NM_147185.3); short protein forms F196L.
Identifiers: ClinVar variation 4711853 (VCV004711853.1).